The following is an entry in ClinVar:

NM_004168.4(SDHA):c.1012G>C (p.Ala338Pro)

Gene: SDHA (succinate dehydrogenase complex flavoprotein subunit A; plus strand). Cytogenetic location: 5p15.33.
Variant type: single nucleotide variant.
Coding change: c.1012G>C on transcript NM_004168.4 (MANE Select); coding-DNA position 1012, G replaced by C.
Protein change: p.Ala338Pro; replaces alanine 338 with proline.
Molecular consequence: missense variant.
Genome position (GRCh38, 1-based): chr5:233,593, G>C. VCF-style: chr5-233593-G-C. GRCh37 (hg19) VCF-style: chr5-233708-G-C.
Other names: c.868G>C, p.Ala290Pro (NM_001294332.2); c.1012G>C, p.Ala338Pro (NM_001330758.2); short protein forms A338P, A290P.
Identifiers: ClinVar variation 1734538 (VCV001734538.7), dbSNP rs2126577878, ClinGen allele CA359012863.

ClinVar aggregate classification (germline): Uncertain significance. Review status: criteria provided, multiple submitters, no conflicts (2 of 4 stars). 2 submissions from 2 submitters: Uncertain significance (2). Last evaluated 2026-01-28.

Conditions:
Mitochondrial complex II deficiency, nuclear type 1. Also called: SUCCINATE CoQ REDUCTASE DEFICIENCY. Identifiers: Orphanet 3208, MedGen C5700310, MONDO:0100294, OMIM 252011.
Pheochromocytoma/paraganglioma syndrome 5. Also called: Paragangliomas 5; SDHA-Related Hereditary Paraganglioma-Pheochromocytoma Syndrome. Identifiers: Orphanet 29072, MedGen C3279992, MONDO:0013602, OMIM 614165.
Hereditary cancer-predisposing syndrome. Also called: Hereditary Cancer Syndrome; Hereditary neoplastic syndrome; Neoplastic Syndromes, Hereditary; Tumor predisposition. Identifiers: Orphanet 140162, MedGen C0027672, MeSH D009386, MONDO:0015356.

Submissions (2):

Ambry Genetics
Classification: Uncertain significance for Hereditary cancer-predisposing syndrome. Last evaluated: 2026-01-28. Review status: criteria provided, single submitter. Criteria: Ambry Variant Classification Scheme 2023. Collection method: clinical testing. Allele origin: germline.
Comment: The p.A338P variant (also known as c.1012G>C), located in coding exon 8 of the SDHA gene, results from a G to C substitution at nucleotide position 1012. The alanine at codon 338 is replaced by proline, an amino acid with highly similar properties. This amino acid position is highly conserved in available vertebrate species. In addition, this alteration is predicted to be deleterious by in silico analysis. Based on the available evidence, the clinical significance of this variant remains unclear.

Labcorp Genetics (formerly Invitae), Labcorp
Classification: Uncertain significance for Pheochromocytoma/paraganglioma syndrome 5; Mitochondrial complex II deficiency, nuclear type 1. Last evaluated: 2023-12-12. Review status: criteria provided, single submitter. Criteria: Invitae Variant Classification Sherloc (09022015). Collection method: clinical testing. Allele origin: germline.
Comment: This sequence change replaces alanine, which is neutral and non-polar, with proline, which is neutral and non-polar, at codon 338 of the SDHA protein (p.Ala338Pro). This variant is not present in population databases (gnomAD no frequency). This variant has not been reported in the literature in individuals affected with SDHA-related conditions. ClinVar contains an entry for this variant (Variation ID: 1734538). Advanced modeling of protein sequence and biophysical properties (such as structural, functional, and spatial information, amino acid conservation, physicochemical variation, residue mobility, and thermodynamic stability) has been performed at Invitae for this missense variant, however the output from this modeling did not meet the statistical confidence thresholds required to predict the impact of this variant on SDHA protein function. In summary, the available evidence is currently insufficient to determine the role of this variant in disease. Therefore, it has been classified as a Variant of Uncertain Significance.